The following is an entry in ClinVar:

NM_000069.3(CACNA1S):c.3013A>G (p.Met1005Val)

Gene: CACNA1S (calcium voltage-gated channel subunit alpha1 S; minus strand). Cytogenetic location: 1q32.1.
Variant type: single nucleotide variant.
Coding change: c.3013A>G on transcript NM_000069.3 (MANE Select); coding-DNA position 3013, A replaced by G.
Protein change: p.Met1005Val; replaces methionine 1005 with valine.
Molecular consequence: missense variant.
Genome position (GRCh38, 1-based): chr1:201,061,984, T>C on the plus strand (A>G on the coding strand, the complement: CACNA1S is on the minus strand). VCF-style: chr1-201061984-T-C. GRCh37 (hg19) VCF-style: chr1-201031112-T-C.
Other names: p.Met1005Val; short protein forms M1005V.
Identifiers: ClinVar variation 3380520 (VCV003380520.1).

ClinVar aggregate classification (germline): Uncertain significance (1 of 4 stars; one submission).

Submission:

Mayo Clinic Laboratories, Mayo Clinic
Classification: Uncertain significance. Last evaluated: 2023-08-15. Review status: criteria provided, single submitter. Criteria: ACMG Guidelines, 2015. Collection method: clinical testing. Allele origin: germline. Observed: 1 variant allele.
Comment: PM2_moderate